The following is an entry in ClinVar:

NM_004006.3(DMD):c.848C>T (p.Ala283Val)

Gene: DMD (dystrophin; minus strand). Cytogenetic location: Xp21.1.
Variant type: single nucleotide variant.
Coding change: c.848C>T on transcript NM_004006.3 (MANE Select); coding-DNA position 848, C replaced by T.
Protein change: p.Ala283Val; replaces alanine 283 with valine.
Molecular consequence: missense variant.
Genome position (GRCh38, 1-based): chrX:32,697,982, G>A on the plus strand (C>T on the coding strand, the complement: DMD is on the minus strand). VCF-style: chrX-32697982-G-A. GRCh37 (hg19) VCF-style: chrX-32716099-G-A.
Other names: c.824C>T, p.Ala275Val (NM_000109.4); c.836C>T, p.Ala279Val (NM_004009.3); c.479C>T, p.Ala160Val (NM_004010.3); c.848C>T (NM_004006.2); short protein forms A275V, A279V, A160V, A283V.
Identifiers: ClinVar variation 1408357 (VCV001408357.9), dbSNP rs754197682, ClinGen allele CA10380041.

ClinVar aggregate classification (germline): Uncertain significance. Review status: criteria provided, multiple submitters, no conflicts (2 of 4 stars). 2 submissions from 2 submitters: Uncertain significance (2). Last evaluated 2024-07-15.

Conditions:
Duchenne muscular dystrophy (DMD). Also called: MUSCULAR DYSTROPHY, PSEUDOHYPERTROPHIC PROGRESSIVE, DUCHENNE TYPE; Duchenne Muscular Dystrophy (DMD). Identifiers: Orphanet 98896, MedGen C0013264, MONDO:0010679, OMIM 310200.
Becker muscular dystrophy (BMD). Also called: MUSCULAR DYSTROPHY, PSEUDOHYPERTROPHIC PROGRESSIVE, BECKER TYPE; Becker Muscular Dystrophy (BMD). Identifiers: Orphanet 98895, MedGen C0917713, MONDO:0010311, OMIM 300376.
Dilated cardiomyopathy 3B (CMD3B). Also called: CMD3B: DMD-Related Dilated Cardiomyopathy; CARDIOMYOPATHY, DILATED, X-LINKED; DMD-Associated Dilated Cardiomyopathy. Identifiers: Orphanet 154, MedGen C3668940, MONDO:0010542, OMIM 302045.

Allele frequency attached by ClinVar (database versions not stated): ExAC 0.00002; gnomAD exomes below 0.00001 and 0.00001.
gnomAD v4.1: 2 of 1,198,379 alleles (0.00017%); highest among the groups gnomAD compares: Admixed American, 0.0045%; no homozygotes.

Submissions (2):

Labcorp Genetics (formerly Invitae), Labcorp
Classification: Uncertain significance for Duchenne muscular dystrophy. Last evaluated: 2024-07-15. Review status: criteria provided, single submitter. Criteria: Invitae Variant Classification Sherloc (09022015). Collection method: clinical testing. Allele origin: germline.
Comment: This sequence change replaces alanine, which is neutral and non-polar, with valine, which is neutral and non-polar, at codon 283 of the DMD protein (p.Ala283Val). This variant is present in population databases (rs754197682, gnomAD 0.01%). This variant has not been reported in the literature in individuals affected with DMD-related conditions. ClinVar contains an entry for this variant (Variation ID: 1408357). Advanced modeling of protein sequence and biophysical properties (such as structural, functional, and spatial information, amino acid conservation, physicochemical variation, residue mobility, and thermodynamic stability) performed at Invitae indicates that this missense variant is not expected to disrupt DMD protein function with a negative predictive value of 95%. In summary, the available evidence is currently insufficient to determine the role of this variant in disease. Therefore, it has been classified as a Variant of Uncertain Significance.

Fulgent Genetics
Classification: Uncertain significance for Becker muscular dystrophy; Dilated cardiomyopathy 3B; Duchenne muscular dystrophy. Last evaluated: 2024-06-16. Review status: criteria provided, single submitter. Criteria: ACMG Guidelines, 2015. Collection method: clinical testing. Allele origin: germline.